The following is an entry in ClinVar:

ClinVar aggregate classification (germline): Uncertain significance (1 of 4 stars; one submission).

Conditions:
Bethlem myopathy 1A. Also called: MYOPATHY, BENIGN CONGENITAL, WITH CONTRACTURES; Bethlem Muscular Dystrophy; Bethlem myopathy 1. Identifiers: Orphanet 610, MedGen CN029274, MONDO:0024530, OMIM 158810.

Allele frequency attached by ClinVar (database versions not stated): gnomAD exomes below 0.00001.
gnomAD v4.1: 3 of 1,614,178 alleles (0.00019%); highest among the groups gnomAD compares: Non-Finnish European, 0.00025%; no homozygotes.

Submission:

Labcorp Genetics (formerly Invitae), Labcorp
Classification: Uncertain significance for Bethlem myopathy 1A. Last evaluated: 2023-11-27. Review status: criteria provided, single submitter. Criteria: Invitae Variant Classification Sherloc (09022015). Collection method: clinical testing. Allele origin: germline.
Comment: This sequence change replaces leucine, which is neutral and non-polar, with phenylalanine, which is neutral and non-polar, at codon 2709 of the COL6A3 protein (p.Leu2709Phe). This variant is not present in population databases (gnomAD no frequency). This variant has not been reported in the literature in individuals affected with COL6A3-related conditions. ClinVar contains an entry for this variant (Variation ID: 1428666). Advanced modeling of protein sequence and biophysical properties (such as structural, functional, and spatial information, amino acid conservation, physicochemical variation, residue mobility, and thermodynamic stability) performed at Invitae indicates that this missense variant is expected to disrupt COL6A3 protein function with a positive predictive value of 80%. In summary, the available evidence is currently insufficient to determine the role of this variant in disease. Therefore, it has been classified as a Variant of Uncertain Significance.

NM_004369.4(COL6A3):c.8127G>T (p.Leu2709Phe)

Gene: COL6A3 (collagen type VI alpha 3 chain; minus strand). Cytogenetic location: 2q37.3.
Variant type: single nucleotide variant.
Coding change: c.8127G>T on transcript NM_004369.4 (MANE Select); coding-DNA position 8127, G replaced by T.
Protein change: p.Leu2709Phe; replaces leucine 2709 with phenylalanine.
Molecular consequence: missense variant.
Genome position (GRCh38, 1-based): chr2:237,340,789, C>A on the plus strand (G>T on the coding strand, the complement: COL6A3 is on the minus strand). VCF-style: chr2-237340789-C-A. GRCh37 (hg19) VCF-style: chr2-238249432-C-A.
Other names: c.6306G>T, p.Leu2102Phe (NM_057166.5); c.7509G>T, p.Leu2503Phe (NM_057167.4); short protein forms L2503F, L2709F, L2102F.
Identifiers: ClinVar variation 1428666 (VCV001428666.6), dbSNP rs1031349800, ClinGen allele CA67835881.
Genomic context (GRCh38, chr2:237,340,789, plus strand): 5'-ACTTTCAAAGACATTCTCTATGGTGTATTCAATGGCACTGCCTAAGGCCCTGGTTCCCTG[C>A]AACTGTGTCATTCCCCTGCTGAGGAAGTCCACCAGCTTCTCCTTGGAGCCATAGTCAGTC-3'
Protein context (NP_004360.2, residues 2699-2719): VDFLSRGMTQ[Leu2709Phe]QGTRALGSAI